The following is an entry in ClinVar:

ClinVar aggregate classification (germline): Uncertain significance (1 of 4 stars; one submission).

Conditions:
Cardiovascular phenotype. Identifiers: MedGen CN230736.

gnomAD v4.1: 8 of 1,580,772 alleles (0.00051%); highest among the groups gnomAD compares: African/African-American, 0.0014%; no homozygotes.

Submission:

Ambry Genetics
Classification: Uncertain significance for Cardiovascular phenotype. Last evaluated: 2025-01-19. Review status: criteria provided, single submitter. Criteria: Ambry Variant Classification Scheme 2023. Collection method: clinical testing. Allele origin: germline.
Comment: The p.E26A variant (also known as c.77A>C), located in coding exon 1 of the LMF1 gene, results from an A to C substitution at nucleotide position 77. The glutamic acid at codon 26 is replaced by alanine, an amino acid with dissimilar properties. This amino acid position is conserved. In addition, this alteration is predicted to be tolerated by in silico analysis. Based on the available evidence, the clinical significance of this variant remains unclear.

NM_022773.4(LMF1):c.77A>C (p.Glu26Ala)

Genes: LMF1 (lipase maturation factor 1; minus strand), LOC130058141 (ATAC-STARR-seq lymphoblastoid silent region 6962; plus strand). Cytogenetic location: 16p13.3.
Variant type: single nucleotide variant.
Coding change: c.77A>C on transcript NM_022773.4 (MANE Select); coding-DNA position 77, A replaced by C.
Protein change: p.Glu26Ala; replaces glutamic acid 26 with alanine.
Molecular consequence: missense variant. On other transcripts: 5 prime UTR variant (1), non-coding transcript variant (1), intron variant (3).
Genome position (GRCh38, 1-based): chr16:970,904, T>G on the plus strand (A>C on the coding strand, the complement: LMF1 is on the minus strand). VCF-style: chr16-970904-T-G. GRCh37 (hg19) VCF-style: chr16-1020904-T-G.
Other names: c.77A>C, p.Glu26Ala (NM_001352020.1); c.-629A>C (NM_001352021.2); c.-135+10241A>C (NM_001352019.2); c.-611+10241A>C (NM_001352017.2); c.-362+10241A>C (NM_001352018.2); short protein forms E26A.
Identifiers: ClinVar variation 2318116 (VCV002318116.3), dbSNP rs1366728753, ClinGen allele CA394111513.